The following is an entry in ClinVar:

ClinVar aggregate classification (germline): Uncertain significance (0 of 4 stars; one submission).

gnomAD v4.1: 26 of 1,613,592 alleles (0.0016%); highest among the groups gnomAD compares: Non-Finnish European, 0.0021%; no homozygotes.

Submission:

Richard Lifton Laboratory, Yale University School of Medicine
Classification: Uncertain significance. Review status: no assertion criteria provided. Collection method: not provided. Allele origin: somatic.
Comment: CRHR2
ClinVar note: Converted during submission from unknown to Uncertain significance.

NM_001883.5(CRHR2):c.915C>T (p.Tyr305=)

Gene: CRHR2 (corticotropin releasing hormone receptor 2; minus strand). Cytogenetic location: 7p14.3.
Variant type: single nucleotide variant.
Coding change: c.915C>T on transcript NM_001883.5 (MANE Select); coding-DNA position 915, C replaced by T.
Protein change: p.Tyr305=; no amino-acid change (tyrosine 305 retained).
Molecular consequence: synonymous variant.
Genome position (GRCh38, 1-based): chr7:30,655,929, G>A on the plus strand (C>T on the coding strand, the complement: CRHR2 is on the minus strand). VCF-style: chr7-30655929-G-A. GRCh37 (hg19) VCF-style: chr7-30695545-G-A.
Other names: c.996C>T, p.Tyr332= (NM_001202475.1); c.873C>T, p.Tyr291= (NM_001202481.1); c.912C>T, p.Tyr304= (NM_001202482.2); c.915C>T, p.Tyr305= (NM_001202483.2).
Identifiers: ClinVar variation 91937 (VCV000091937.2), dbSNP rs386352294, ClinGen allele CA232199.